The following is an entry in ClinVar:

ClinVar aggregate classification (germline): Conflicting classifications of pathogenicity. Review status: criteria provided, conflicting classifications (1 of 4 stars). 2 submissions from 2 submitters: Likely pathogenic (1); Uncertain significance (1). Last evaluated 2025-10-29.

Conditions:
Aortic valve disease 2 (AOVD2). Identifiers: MedGen C3542024, MONDO:0013902, OMIM 614823.

gnomAD v4.1: 3 of 1,478,930 alleles (0.0002%); highest among the groups gnomAD compares: Non-Finnish European, 0.00027%; no homozygotes.

Submissions (2):

Labcorp Genetics (formerly Invitae), Labcorp
Classification: Uncertain significance for Aortic valve disease 2. Last evaluated: 2025-10-29. Review status: criteria provided, single submitter. Criteria: Invitae Variant Classification Sherloc (09022015). Collection method: clinical testing. Allele origin: germline.
Comment: This sequence change creates a premature translational stop signal (p.Glu273*) in the SMAD6 gene. It is expected to result in an absent or disrupted protein product. However, the current clinical and genetic evidence is not sufficient to establish whether loss-of-function variants in SMAD6 cause disease. This variant is not present in population databases (gnomAD no frequency). This variant has not been reported in the literature in individuals affected with SMAD6-related conditions. ClinVar contains an entry for this variant (Variation ID: 838515). Algorithms developed to predict the effect of sequence changes on RNA splicing suggest that this variant may disrupt the consensus splice site. In summary, the available evidence is currently insufficient to determine the role of this variant in disease. Therefore, it has been classified as a Variant of Uncertain Significance.

Baylor Genetics
Classification: Likely pathogenic for Aortic valve disease 2. Last evaluated: 2023-05-03. Review status: criteria provided, single submitter. Criteria: ACMG Guidelines, 2015. Collection method: clinical testing. Allele origin: unknown.

NM_005585.5(SMAD6):c.817G>T (p.Glu273Ter)

Gene: SMAD6 (SMAD family member 6; plus strand). Cytogenetic location: 15q22.31.
Variant type: single nucleotide variant.
Coding change: c.817G>T on transcript NM_005585.5 (MANE Select); coding-DNA position 817, G replaced by T.
Protein change: p.Glu273Ter; replaces glutamic acid 273 with a stop codon.
Molecular consequence: nonsense. On other transcripts: non-coding transcript variant (1).
Genome position (GRCh38, 1-based): chr15:66,704,075, G>T. VCF-style: chr15-66704075-G-T. GRCh37 (hg19) VCF-style: chr15-66996413-G-T.
Other names: short protein forms E273*.
Identifiers: ClinVar variation 838515 (VCV000838515.8), dbSNP rs1259557323, ClinGen allele CA392950310.